The following is an entry in ClinVar:

NM_000138.5(FBN1):c.5434T>C (p.Cys1812Arg)

Gene: FBN1 (fibrillin 1; minus strand). Cytogenetic location: 15q21.1.
Variant type: single nucleotide variant.
Coding change: c.5434T>C on transcript NM_000138.5 (MANE Select); coding-DNA position 5434, T replaced by C.
Protein change: p.Cys1812Arg; replaces cysteine 1812 with arginine.
Molecular consequence: missense variant.
Genome position (GRCh38, 1-based): chr15:48,452,673, A>G on the plus strand (T>C on the coding strand, the complement: FBN1 is on the minus strand). VCF-style: chr15-48452673-A-G. GRCh37 (hg19) VCF-style: chr15-48744870-A-G.
Other names: short protein forms C1812R.
Identifiers: ClinVar variation 655979 (VCV000655979.11), dbSNP rs1597537935, ClinGen allele CA392344470.

ClinVar aggregate classification (germline): Pathogenic. Review status: criteria provided, multiple submitters, no conflicts (2 of 4 stars). 2 submissions from 2 submitters: Pathogenic (2). Last evaluated 2024-09-19.

Conditions:
Marfan Syndrome/Loeys-Dietz Syndrome/Familial Thoracic Aortic Aneurysms and Dissections. Identifiers: MedGen CN229799.
Familial thoracic aortic aneurysm and aortic dissection (TAAD). Also called: Thoracic aortic aneurysms and dissections. Identifiers: Orphanet 91387, MedGen C4707243, MONDO:0019625.
Marfan syndrome (MFS). Also called: FBN1-Related Marfan Syndrome; Marfan syndrome type 1; Marfan's syndrome; Marfan syndrome, classic; MARFAN SYNDROME, TYPE I. Identifiers: Orphanet 284963, Orphanet 558, MedGen C0024796, MONDO:0007947, OMIM 154700.

Submissions (2):

Labcorp Genetics (formerly Invitae), Labcorp
Classification: Pathogenic for Marfan syndrome; Familial thoracic aortic aneurysm and aortic dissection. Last evaluated: 2024-09-19. Review status: criteria provided, single submitter. Criteria: Invitae Variant Classification Sherloc (09022015). Collection method: clinical testing. Allele origin: germline.
Comment: This sequence change replaces cysteine, which is neutral and slightly polar, with arginine, which is basic and polar, at codon 1812 of the FBN1 protein (p.Cys1812Arg). This variant is not present in population databases (gnomAD no frequency). This missense change has been observed in individuals with clinical features of Marfan syndrome (PMID: 19533785, 27234404, 27611364; internal data). ClinVar contains an entry for this variant (Variation ID: 655979). Invitae Evidence Modeling of protein sequence and biophysical properties (such as structural, functional, and spatial information, amino acid conservation, physicochemical variation, residue mobility, and thermodynamic stability) indicates that this missense variant is expected to disrupt FBN1 protein function with a positive predictive value of 95%. This variant affects a cysteine residue in the EGF-like, TGFBP or hybrid motif domains of FBN1. Cysteine residues are believed to be involved in intramolecular disulfide bridges and have been shown to be important for FBN1 protein structure (PMID: 16905551, 19349279). In addition, missense substitutions affecting cysteine residues within these domains are significantly overrepresented among patients with Marfan syndrome (PMID: 16571647, 17701892). For these reasons, this variant has been classified as Pathogenic.

Women's Health and Genetics/Laboratory Corporation of America, LabCorp
Classification: Pathogenic for Marfan Syndrome/Loeys-Dietz Syndrome/Familial Thoracic Aortic Aneurysms and Dissections. Last evaluated: 2023-07-11. Review status: criteria provided, single submitter. Criteria: LabCorp Variant Classification Summary - May 2015. Collection method: clinical testing. Allele origin: germline.
Comment: Variant summary: FBN1 c.5434T>C (p.Cys1812Arg) results in a non-conservative amino acid change located in the EGF-like domain (IPR000742) of the encoded protein sequence. Five of five in-silico tools predict a damaging effect of the variant on protein function. The variant was absent in 251182 control chromosomes in gnomAD. c.5434T>C has been reported in the literature in at-least eight individuals affected with Marfan Syndrome or aortic diseases (example: Chung_2009, Aalberts_2014, Yang_2016, Franken_2016). It has also been reported arising de novo in at-least one individual with Marfan Syndrome (example: Yang_2016). These data indicate that the variant is likely to be associated with disease. To our knowledge, no experimental evidence demonstrating an impact on protein function has been reported. Additionally, at least two variants at Cys1812 residue have been reported as Like Pathogenic in ClinVar (p.Cys1812Gly, p.Cys1812Tyr), suggesting that this cysteine in EGF-like domain may be functionally important (PMID 27437668). The following publications have been ascertained in the context of this evaluation (PMID: 24161884, 19533785, 26787436, 27234404, 27611364). One submitter has cited clinical-significance assessments for this variant to ClinVar after 2014 and has classified the variant as pathogenic. Based on the evidence outlined above, the variant was classified as pathogenic.

Literature cited by the submitters: PubMed 19533785 (cited by Labcorp Genetics (formerly Invitae), Labcorp and Women's Health and Genetics/Laboratory Corporation of America, LabCorp); PubMed 27234404 (cited by Labcorp Genetics (formerly Invitae), Labcorp and Women's Health and Genetics/Laboratory Corporation of America, LabCorp); PubMed 27611364 (cited by Labcorp Genetics (formerly Invitae), Labcorp and Women's Health and Genetics/Laboratory Corporation of America, LabCorp); PubMed 16905551 (cited by Labcorp Genetics (formerly Invitae), Labcorp); PubMed 19349279 (cited by Labcorp Genetics (formerly Invitae), Labcorp); PubMed 16571647 (cited by Labcorp Genetics (formerly Invitae), Labcorp); PubMed 17701892 (cited by Labcorp Genetics (formerly Invitae), Labcorp); PubMed 24161884 (cited by Women's Health and Genetics/Laboratory Corporation of America, LabCorp); PubMed 26787436 (cited by Women's Health and Genetics/Laboratory Corporation of America, LabCorp).